The following is an entry in ClinVar:

ClinVar aggregate classification (germline): Pathogenic/Likely pathogenic. Review status: criteria provided, multiple submitters, no conflicts (2 of 4 stars). 2 submissions from 2 submitters: Pathogenic (1); Likely pathogenic (1). Last evaluated 2025-10-28.

Conditions:
Telangiectasia, hereditary hemorrhagic, type 2 (HHT2). Also called: ACVRL1-Related Hereditary Hemorrhagic Telangiectasia; Telangiectasia, hereditary hemorrhagic, type II. Identifiers: Orphanet 774, MedGen C1838163, MONDO:0010880, OMIM 600376. Disease mechanism: loss of function.

Submissions (2):

Labcorp Genetics (formerly Invitae), Labcorp
Classification: Pathogenic for Telangiectasia, hereditary hemorrhagic, type 2. Last evaluated: 2025-10-28. Review status: criteria provided, single submitter. Criteria: Invitae Variant Classification Sherloc (09022015). Collection method: clinical testing. Allele origin: germline.
Comment: This sequence change replaces arginine, which is basic and polar, with glycine, which is neutral and non-polar, at codon 67 of the ACVRL1 protein (p.Arg67Gly). This variant is not present in population databases (gnomAD no frequency). This missense change has been observed in individual(s) with hereditary hemorrhagic telangiectasia (PMID: 23729109). It has also been observed to segregate with disease in related individuals. ClinVar contains an entry for this variant (Variation ID: 1163055). Invitae Evidence Modeling of protein sequence and biophysical properties (such as structural, functional, and spatial information, amino acid conservation, physicochemical variation, residue mobility, and thermodynamic stability) indicates that this missense variant is expected to disrupt ACVRL1 protein function with a positive predictive value of 95%. This variant disrupts the p.Arg67 amino acid residue in ACVRL1. Other variant(s) that disrupt this residue have been determined to be pathogenic (PMID: 12114496, 15712271, 16123970, 22377182, 22553411; internal data). This suggests that this residue is clinically significant, and that variants that disrupt this residue are likely to be disease-causing. For these reasons, this variant has been classified as Pathogenic.

Mayo Clinic Laboratories, Mayo Clinic
Classification: Likely pathogenic. Last evaluated: 2019-09-23. Review status: criteria provided, single submitter. Criteria: ACMG Guidelines, 2015. Collection method: clinical testing. Allele origin: germline. Observed: 1 variant allele.
Comment: PM1, PM2, PM5, PP3, PP4

Literature cited by the submitters: PubMed 23729109 (cited by Labcorp Genetics (formerly Invitae), Labcorp); PubMed 12114496 (cited by Labcorp Genetics (formerly Invitae), Labcorp); PubMed 15712271 (cited by Labcorp Genetics (formerly Invitae), Labcorp); PubMed 16123970 (cited by Labcorp Genetics (formerly Invitae), Labcorp); PubMed 22377182 (cited by Labcorp Genetics (formerly Invitae), Labcorp); PubMed 22553411 (cited by Labcorp Genetics (formerly Invitae), Labcorp).

NM_000020.3(ACVRL1):c.199C>G (p.Arg67Gly)

Gene: ACVRL1 (activin A receptor like type 1; plus strand). Cytogenetic location: 12q13.13.
Variant type: single nucleotide variant.
Coding change: c.199C>G on transcript NM_000020.3 (MANE Select); coding-DNA position 199, C replaced by G.
Protein change: p.Arg67Gly; replaces arginine 67 with glycine.
Molecular consequence: missense variant.
Genome position (GRCh38, 1-based): chr12:51,913,236, C>G. VCF-style: chr12-51913236-C-G. GRCh37 (hg19) VCF-style: chr12-52307020-C-G.
Other names: c.199C>G, p.Arg67Gly (NM_001077401.2); short protein forms R67G.
Identifiers: ClinVar variation 1163055 (VCV001163055.6), dbSNP rs1085307405, ClinGen allele CA384897886.